The following is an entry in ClinVar:

ClinVar aggregate classification (germline): Uncertain significance (1 of 4 stars; one submission).

Submission:

Labcorp Genetics (formerly Invitae), Labcorp
Classification: Uncertain significance. Last evaluated: 2025-01-08. Review status: criteria provided, single submitter. Criteria: Invitae Variant Classification Sherloc (09022015). Collection method: clinical testing. Allele origin: germline.
Comment: This variant, c.918_920del, results in the deletion of 1 amino acid(s) of the POLE2 protein (p.Ile306del), but otherwise preserves the integrity of the reading frame. This variant is not present in population databases (gnomAD no frequency). This variant has not been reported in the literature in individuals affected with POLE2-related conditions. Experimental studies and prediction algorithms are not available or were not evaluated, and the functional significance of this variant is currently unknown. In summary, the available evidence is currently insufficient to determine the role of this variant in disease. Therefore, it has been classified as a Variant of Uncertain Significance.

NM_002692.4(POLE2):c.918_920del (p.Ile306del)

Gene: POLE2 (DNA polymerase epsilon 2, accessory subunit; minus strand). Cytogenetic location: 14q21.3.
Variant type: Deletion.
Coding change: c.918_920del on transcript NM_002692.4 (MANE Select); coding-DNA positions 918 to 920, 3 bases deleted (AAT; older notation c.918_920delAAT).
Protein change: p.Ile306del; deletes isoleucine 306.
Genome position (GRCh38, 1-based): chr14:49,655,679-49,655,681, ATT deleted on the plus strand (AAT on the coding strand, the reverse complement: POLE2 is on the minus strand); deleting any 3 consecutive bases within chr14:49,655,679-49,655,683 gives the same sequence; the c. name uses the placement nearest the transcript's 3' end. VCF-style (leftmost placement, unchanged base first): chr14-49655678-CATT-C. GRCh37 (hg19) VCF-style: chr14-50122396-CATT-C.
Other names: c.840_842del, p.Ile280del (NM_001197330.2); c.918_920del, p.Ile306del (NM_001197331.3, NM_001348384.2); c.687_689del, p.Ile229del (NM_001348385.2); short protein forms I229del, I280del, I306del.
Identifiers: ClinVar variation 3685752 (VCV003685752.2).